The following is an entry in ClinVar:

ClinVar aggregate classification (germline): Pathogenic (1 of 4 stars; one submission).

Conditions:
Alstrom syndrome (ALMS). Identifiers: Orphanet 64, MedGen C0268425, MONDO:0008763, OMIM 203800.

Submission:

Labcorp Genetics (formerly Invitae), Labcorp
Classification: Pathogenic for Alstrom syndrome. Last evaluated: 2023-06-02. Review status: criteria provided, single submitter. Criteria: Invitae Variant Classification Sherloc (09022015). Collection method: clinical testing. Allele origin: germline.
Comment: For these reasons, this variant has been classified as Pathogenic. This variant has not been reported in the literature in individuals affected with ALMS1-related conditions. Information on the frequency of this variant in the gnomAD database is not available, as this variant may be reported differently in the database. This sequence change creates a premature translational stop signal (p.Gly1556*) in the ALMS1 gene. It is expected to result in an absent or disrupted protein product. Loss-of-function variants in ALMS1 are known to be pathogenic (PMID: 17594715).

Literature cited by the submitters: PubMed 17594715.

NM_001378454.1(ALMS1):c.4662_4663delinsAT (p.Gly1555Ter)

Gene: ALMS1 (ALMS1 centrosome and basal body associated protein; plus strand). Cytogenetic location: 2p13.1.
Variant type: Indel.
Coding change: c.4662_4663delinsAT on transcript NM_001378454.1 (MANE Select); coding-DNA positions 4662 to 4663, TG replaced by AT.
Protein change: p.Gly1555Ter; replaces glycine 1555 with a stop codon.
Molecular consequence: nonsense.
Genome position (GRCh38, 1-based): chr2:73,451,189-73,451,190, TG replaced by AT. VCF-style: chr2-73451189-TG-AT. GRCh37 (hg19) VCF-style: chr2-73678316-TG-AT.
Other names: c.4665_4666delinsAT, p.Gly1556Ter (NM_015120.4); short protein forms G1556*, G1555*.
Identifiers: ClinVar variation 2757819 (VCV002757819.3), dbSNP rs2466102298, ClinGen allele CA2697548276.